The following is an entry in ClinVar:

NM_004544.4(NDUFA10):c.*3204C>T

Gene: NDUFA10 (NADH:ubiquinone oxidoreductase subunit A10; minus strand). Cytogenetic location: 2q37.3.
Variant type: single nucleotide variant.
Coding change: c.*3204C>T on transcript NM_004544.4 (MANE Select); 3204 bases downstream of the stop codon, C replaced by T.
Molecular consequence: 3 prime UTR variant. On other transcripts: non-coding transcript variant (3).
Genome position (GRCh38, 1-based): chr2:239,957,914, G>A on the plus strand (C>T on the coding strand, the complement: NDUFA10 is on the minus strand). VCF-style: chr2-239957914-G-A. GRCh37 (hg19) VCF-style: chr2-240897331-G-A.
Other names: c.*3209C>T (NM_001322020.2).
Identifiers: ClinVar variation 335156 (VCV000335156.6), dbSNP rs34277046, ClinGen allele CA10613230.

ClinVar aggregate classification (germline): Benign. Review status: criteria provided, multiple submitters, no conflicts (2 of 4 stars). 3 submissions from 2 submitters: Benign (3). Last evaluated 2018-01-13.

Conditions:
Leigh syndrome (NULS). Also called: Leigh's syndrome; Leigh Syndrome (mtDNA deletion); Leigh Disease; Leigh's necrotizing encephalopathy; Leigh's disease; Subacute necrotizing encephalopathy. Identifiers: Orphanet 506, MedGen C2931891, MONDO:0009723, OMIM 256000.
Mitochondrial complex I deficiency, nuclear type 1. Also called: NADH-COENZYME Q REDUCTASE DEFICIENCY; MITOCHONDRIAL NADH DEHYDROGENASE COMPONENT OF COMPLEX I, DEFICIENCY OF. Identifiers: MedGen C6022305, MONDO:0100224, OMIM 252010.

Allele frequency attached by ClinVar (database versions not stated): gnomAD exomes 0.25000; 1000 Genomes Project 30x 0.25156; 1000 Genomes Project 0.25579; TOPMed 0.26859; gnomAD 0.28364 and 0.28460.
gnomAD v4.1: 43,215 of 152,176 alleles (28%); highest among the groups gnomAD compares: East Asian, 38%; 6,830 homozygotes.

Submissions (3):

Illumina Laboratory Services, Illumina
Classification: Benign for Mitochondrial complex I deficiency, nuclear type 1. Last evaluated: 2018-01-13. Review status: criteria provided, single submitter. Criteria: ICSL Variant Classification Criteria 13 December 2019. Collection method: clinical testing. Allele origin: germline.
Comment: This variant was observed in the ICSL laboratory as part of a predisposition screen in an ostensibly healthy population. It had not been previously curated by ICSL or reported in the Human Gene Mutation Database (HGMD: prior to June 1st, 2018), and was therefore a candidate for classification through an automated scoring system. Utilizing variant allele frequency, disease prevalence and penetrance estimates, and inheritance mode, an automated score was calculated to assess if this variant is too frequent to cause the disease. Based on the score and internal cut-off values, a variant classified as benign is not then subjected to further curation. The score for this variant resulted in a classification of benign for this disease.

Illumina Laboratory Services, Illumina
Classification: Benign for Leigh syndrome. Last evaluated: 2018-01-13. Review status: criteria provided, single submitter. Criteria: ICSL Variant Classification Criteria 13 December 2019. Collection method: clinical testing. Allele origin: germline.
Comment: the same text as in the submission from Illumina Laboratory Services, Illumina above.

Breakthrough Genomics
Classification: Benign. Review status: criteria provided, single submitter. Criteria: ACMG Guidelines, 2015. Collection method: not provided. Allele origin: germline. Inheritance: Autosomal recessive inheritance. Affected: yes.